The following is an entry in ClinVar:

NM_183381.3(RNF13):c.260A>G (p.Asp87Gly)

Gene: RNF13 (ring finger protein 13; plus strand). Cytogenetic location: 3q25.1.
Variant type: single nucleotide variant.
Coding change: c.260A>G on transcript NM_183381.3 (MANE Select); coding-DNA position 260, A replaced by G.
Protein change: p.Asp87Gly; replaces aspartic acid 87 with glycine.
Molecular consequence: missense variant. On other transcripts: 5 prime UTR variant (6), non-coding transcript variant (1).
Genome position (GRCh38, 1-based): chr3:149,872,093, A>G. VCF-style: chr3-149872093-A-G. GRCh37 (hg19) VCF-style: chr3-149589880-A-G.
Other names: c.260A>G, p.Asp87Gly (NM_001378285.1, NM_001378286.1, NM_007282.4); c.-108A>G (NM_001378287.1, NM_001378288.1, NM_001378289.1 and 2 more transcripts); c.-134A>G (NM_001378291.1); short protein forms D87G.
Identifiers: ClinVar variation 3673321 (VCV003673321.2).

ClinVar aggregate classification (germline): Uncertain significance (1 of 4 stars; one submission).

Submission:

Labcorp Genetics (formerly Invitae), Labcorp
Classification: Uncertain significance. Last evaluated: 2024-02-23. Review status: criteria provided, single submitter. Criteria: Invitae Variant Classification Sherloc (09022015). Collection method: clinical testing. Allele origin: germline.
Comment: This sequence change replaces aspartic acid, which is acidic and polar, with glycine, which is neutral and non-polar, at codon 87 of the RNF13 protein (p.Asp87Gly). This variant is not present in population databases (gnomAD no frequency). This variant has not been reported in the literature in individuals affected with RNF13-related conditions. Advanced modeling of protein sequence and biophysical properties (such as structural, functional, and spatial information, amino acid conservation, physicochemical variation, residue mobility, and thermodynamic stability) performed at Invitae indicates that this missense variant is not expected to disrupt RNF13 protein function with a negative predictive value of 80%. In summary, the available evidence is currently insufficient to determine the role of this variant in disease. Therefore, it has been classified as a Variant of Uncertain Significance.